The following is an entry in ClinVar:

NM_000292.3(PHKA2):c.1121C>T (p.Ala374Val)

Gene: PHKA2 (phosphorylase kinase regulatory subunit alpha 2; minus strand). Cytogenetic location: Xp22.13.
Variant type: single nucleotide variant.
Coding change: c.1121C>T on transcript NM_000292.3 (MANE Select); coding-DNA position 1121, C replaced by T.
Protein change: p.Ala374Val; replaces alanine 374 with valine.
Molecular consequence: missense variant.
Genome position (GRCh38, 1-based): chrX:18,936,071, G>A on the plus strand (C>T on the coding strand, the complement: PHKA2 is on the minus strand). VCF-style: chrX-18936071-G-A. GRCh37 (hg19) VCF-style: chrX-18954189-G-A.
Other names: short protein forms A374V.
Identifiers: ClinVar variation 2830678 (VCV002830678.3), dbSNP rs756630212, ClinGen allele CA10361978.

ClinVar aggregate classification (germline): Uncertain significance (1 of 4 stars; one submission).

Conditions:
Glycogen storage disease IXa1. Also called: LIVER GLYCOGENOSIS, X-LINKED, TYPE I; GLYCOGEN STORAGE DISEASE VIII; GSD VIII; Glycogen storage disease 8. Identifiers: Orphanet 264580, MedGen C3694531, MONDO:0010598, OMIM 306000.

Submission:

Labcorp Genetics (formerly Invitae), Labcorp
Classification: Uncertain significance for Glycogen storage disease IXa1. Last evaluated: 2023-01-20. Review status: criteria provided, single submitter. Criteria: Invitae Variant Classification Sherloc (09022015). Collection method: clinical testing. Allele origin: germline.
Comment: This sequence change replaces alanine, which is neutral and non-polar, with valine, which is neutral and non-polar, at codon 374 of the PHKA2 protein (p.Ala374Val). In summary, the available evidence is currently insufficient to determine the role of this variant in disease. Therefore, it has been classified as a Variant of Uncertain Significance. Advanced modeling of protein sequence and biophysical properties (such as structural, functional, and spatial information, amino acid conservation, physicochemical variation, residue mobility, and thermodynamic stability) performed at Invitae indicates that this missense variant is not expected to disrupt PHKA2 protein function. This variant has not been reported in the literature in individuals affected with PHKA2-related conditions. This variant is not present in population databases (gnomAD no frequency).